The following is an entry in ClinVar:

ClinVar aggregate classification (germline): Uncertain significance (1 of 4 stars; one submission).

Allele frequency attached by ClinVar (database versions not stated): gnomAD exomes below 0.00001.
gnomAD v4.1: 3 of 1,612,278 alleles (0.00019%); highest among the groups gnomAD compares: Non-Finnish European, 0.00025%; no homozygotes.

Submission:

Labcorp Genetics (formerly Invitae), Labcorp
Classification: Uncertain significance. Last evaluated: 2023-12-11. Review status: criteria provided, single submitter. Criteria: Invitae Variant Classification Sherloc (09022015). Collection method: clinical testing. Allele origin: germline.
Comment: This sequence change replaces serine, which is neutral and polar, with proline, which is neutral and non-polar, at codon 659 of the SAMD11 protein (p.Ser659Pro). This variant is present in population databases (rs747909292, gnomAD 0.0009%). This variant has not been reported in the literature in individuals affected with SAMD11-related conditions. ClinVar contains an entry for this variant (Variation ID: 1525770). An algorithm developed to predict the effect of missense changes on protein structure and function (PolyPhen-2) suggests that this variant is likely to be disruptive. In summary, the available evidence is currently insufficient to determine the role of this variant in disease. Therefore, it has been classified as a Variant of Uncertain Significance.

NM_001385641.1(SAMD11):c.2464T>C (p.Ser822Pro)

Gene: SAMD11 (sterile alpha motif domain containing 11; plus strand). Cytogenetic location: 1p36.33.
Variant type: single nucleotide variant.
Coding change: c.2464T>C on transcript NM_001385641.1 (MANE Select); coding-DNA position 2464, T replaced by C.
Protein change: p.Ser822Pro; replaces serine 822 with proline.
Molecular consequence: missense variant.
Genome position (GRCh38, 1-based): chr1:944,082, T>C. VCF-style: chr1-944082-T-C. GRCh37 (hg19) VCF-style: chr1-879462-T-C.
Other names: c.2467T>C, p.Ser823Pro (NM_001385640.1); c.1975T>C, p.Ser659Pro (NM_152486.4); short protein forms S659P, S822P, S823P.
Identifiers: ClinVar variation 1525770 (VCV001525770.8), dbSNP rs747909292, ClinGen allele CA503427.